The following is an entry in ClinVar:

ClinVar aggregate classification (germline): Uncertain significance. Review status: criteria provided, multiple submitters, no conflicts (2 of 4 stars). 6 submissions from 6 submitters: Uncertain significance (6). Last evaluated 2025-12-29.

Conditions:
ALDH18A1-related disorder. Also called: ALDH18A1-related disorders.
ALDH18A1-related de Barsy syndrome. Also called: DE BARSY SYNDROME A; Cutis laxa, autosomal recessive IIIA. Identifiers: Orphanet 2962, Orphanet 35664, MedGen C5234852, MONDO:0009053, OMIM 219150.
Autosomal dominant spastic paraplegia type 9. Identifiers: MedGen C1832669, MONDO:0015091.
de Barsy syndrome. Also called: Cutis laxa-corneal clouding-oligophrenia syndrome. Identifiers: Orphanet 2962, MedGen C0268354, MONDO:0017569.
Cutis laxa, autosomal dominant 3 (ADCL3). Identifiers: Orphanet 90348, MedGen C4225268, MONDO:0014706, OMIM 616603.

Allele frequency attached by ClinVar (database versions not stated): gnomAD exomes 0.00001; ExAC 0.00003.
gnomAD v4.1: 16 of 1,612,670 alleles (0.00099%); highest among the groups gnomAD compares: South Asian, 0.0011%; no homozygotes.

Submissions (6):

Labcorp Genetics (formerly Invitae), Labcorp
Classification: Uncertain significance for Autosomal dominant spastic paraplegia type 9; de Barsy syndrome; Cutis laxa, autosomal dominant 3. Last evaluated: 2025-12-29. Review status: criteria provided, single submitter. Criteria: Invitae Variant Classification Sherloc (09022015). Collection method: clinical testing. Allele origin: germline.
Comment: This sequence change falls in intron 7 of the ALDH18A1 gene. It does not directly change the encoded amino acid sequence of the ALDH18A1 protein. It affects a nucleotide within the consensus splice site. This variant is present in population databases (rs755947818, gnomAD 0.002%). This variant has not been reported in the literature in individuals affected with ALDH18A1-related conditions. ClinVar contains an entry for this variant (Variation ID: 878097). Variants that disrupt the consensus splice site are a relatively common cause of aberrant splicing (PMID: 17576681, 9536098). Algorithms developed to predict the effect of sequence changes on RNA splicing suggest that this variant may disrupt the consensus splice site. In summary, the available evidence is currently insufficient to determine the role of this variant in disease. Therefore, it has been classified as a Variant of Uncertain Significance.

CeGaT Center for Human Genetics Tuebingen
Classification: Uncertain significance. Last evaluated: 2024-11-01. Review status: criteria provided, single submitter. Criteria: CeGaT Center For Human Genetics Tuebingen Variant Classification Criteria Version 2. Collection method: clinical testing. Allele origin: germline. Affected: yes. Observed: 1 variant allele.
Comment: ALDH18A1: PM2, PP3

PreventionGenetics, part of Exact Sciences
Classification: Uncertain significance for ALDH18A1-related condition. Last evaluated: 2023-05-25. Review status: criteria provided, single submitter. Criteria: ACMG Guidelines, 2015. Collection method: clinical testing. Allele origin: germline.
Comment: The ALDH18A1 c.809-3T>G variant is predicted to interfere with splicing. This variant is predicted to weaken the nearby canonical splice site (Alamut Visual Plus v.1.6.1). To our knowledge, this variant has not been reported in the literature. This variant is reported in 0.0018% of alleles in individuals of European (Non-Finnish) descent in gnomAD. At this time, the clinical significance of this variant is uncertain due to the absence of conclusive functional and genetic evidence.

GeneDx
Classification: Uncertain significance. Last evaluated: 2022-02-24. Review status: criteria provided, single submitter. Criteria: GeneDx Variant Classification Process June 2021. Collection method: clinical testing. Allele origin: germline. Affected: yes.
Comment: Has not been previously published as pathogenic or benign to our knowledge; Not observed at significant frequency in large population cohorts (gnomAD); In silico analysis supports a deleterious effect on splicing

Blueprint Genetics
Classification: Uncertain significance. Last evaluated: 2020-04-21. Review status: criteria provided, single submitter. Criteria: ACMG Guidelines, 2015. Collection method: clinical testing. Allele origin: germline.

Illumina Laboratory Services, Illumina
Classification: Uncertain significance for ALDH18A1-related de Barsy syndrome. Last evaluated: 2018-01-13. Review status: criteria provided, single submitter. Criteria: ICSL Variant Classification Criteria 13 December 2019. Collection method: clinical testing. Allele origin: germline.

Literature cited by the submitters: PubMed 17576681 (cited by Labcorp Genetics (formerly Invitae), Labcorp); PubMed 9536098 (cited by Labcorp Genetics (formerly Invitae), Labcorp).

NM_002860.4(ALDH18A1):c.809-3T>G

Gene: ALDH18A1 (aldehyde dehydrogenase 18 family member A1; minus strand). Cytogenetic location: 10q24.1.
Variant type: single nucleotide variant.
Coding change: c.809-3T>G on transcript NM_002860.4 (MANE Select); 3 bases into the intron before coding-DNA position 809, T replaced by G.
Molecular consequence: intron variant.
Genome position (GRCh38, 1-based): chr10:95,628,495, A>C on the plus strand (T>G on the coding strand, the complement: ALDH18A1 is on the minus strand). VCF-style: chr10-95628495-A-C. GRCh37 (hg19) VCF-style: chr10-97388252-A-C.
Other names: c.173-3T>G (NM_001323419.2); c.476-3T>G (NM_001323412.2, NM_001323416.2); c.704-3T>G (NM_001323417.2); c.803-3T>G (NM_001017423.2, NM_001323415.2); c.470-3T>G (NM_001323418.2); c.809-3T>G (NM_001323413.2, NM_001323414.2).
Identifiers: ClinVar variation 878097 (VCV000878097.27), dbSNP rs755947818, ClinGen allele CA5620498.